The following is an entry in ClinVar:

NM_000548.5(TSC2):c.391C>G (p.Pro131Ala)

Gene: TSC2 (TSC complex subunit 2; plus strand). Cytogenetic location: 16p13.3.
Variant type: single nucleotide variant.
Coding change: c.391C>G on transcript NM_000548.5 (MANE Select); coding-DNA position 391, C replaced by G.
Protein change: p.Pro131Ala; replaces proline 131 with alanine.
Molecular consequence: missense variant. On other transcripts: intron variant (1).
Genome position (GRCh38, 1-based): chr16:2,054,350, C>G. VCF-style: chr16-2054350-C-G. GRCh37 (hg19) VCF-style: chr16-2104351-C-G.
Other names: c.391C>G, p.Pro131Ala (NM_001077183.3, NM_001114382.3, NM_001363528.2 and 3 more transcripts); c.280C>G, p.Pro94Ala (NM_001318827.2); c.244C>G, p.Pro82Ala (NM_001318829.2); c.424C>G, p.Pro142Ala (NM_001318832.2); c.-1-1846C>G (NM_001318831.2); short protein forms P142A, P82A, P94A, P131A.
Identifiers: ClinVar variation 962260 (VCV000962260.9), dbSNP rs777398393, ClinGen allele CA049630.
Genomic context (GRCh38, chr16:2,054,350, plus strand): 5'-CTTTAGGGCGAGCGTTTGGGGGTCCTCAGAGCCCTCTTCTTTAAGGTCATCAAGGATTAC[C>G]CTTCCAACGAAGACCTTCACGAAAGGCTGGAGGTTTTCAAGGCCCTCACAGACAATGGGA-3'
Protein context (NP_000539.2, residues 121-141): ALFFKVIKDY[Pro131Ala]SNEDLHERLE

ClinVar aggregate classification (germline): Conflicting classifications of pathogenicity. Review status: criteria provided, conflicting classifications (1 of 4 stars). 3 submissions from 3 submitters: Uncertain significance (2); Benign (1). Last evaluated 2023-12-24.

Conditions:
Hereditary cancer-predisposing syndrome. Also called: Hereditary neoplastic syndrome; Tumor predisposition; Neoplastic Syndromes, Hereditary; Hereditary Cancer Syndrome. Identifiers: Orphanet 140162, MedGen C0027672, MeSH D009386, MONDO:0015356.
Isolated focal cortical dysplasia type II (FCORD2). Also called: Focal cortical dysplasia type II; CORTICAL DYSPLASIA OF TAYLOR. Identifiers: Orphanet 268994, MedGen C1846385, MONDO:0011818, OMIM 607341, HP:0032051.
Tuberous sclerosis 2 (TSC2). Identifiers: Orphanet 805, MedGen C1860707, MONDO:0013199, OMIM 613254.

Allele frequency attached by ClinVar (database versions not stated): ExAC 0.00001.
gnomAD v4.1: 2 of 1,614,184 alleles (0.00012%); highest among the groups gnomAD compares: Non-Finnish European, 0.000085%; no homozygotes.

Submissions (3):

Ambry Genetics
Classification: Uncertain significance for Hereditary cancer-predisposing syndrome. Last evaluated: 2023-12-24. Review status: criteria provided, single submitter. Criteria: Ambry Variant Classification Scheme 2023. Collection method: clinical testing. Allele origin: germline.
Comment: The p.P131A variant (also known as c.391C>G), located in coding exon 4 of the TSC2 gene, results from a C to G substitution at nucleotide position 391. The proline at codon 131 is replaced by alanine, an amino acid with highly similar properties. This amino acid position is conserved. In addition, the in silico prediction for this alteration is inconclusive. Since supporting evidence is limited at this time, the clinical significance of this alteration remains unclear.

Baylor Genetics
Classification: Uncertain significance for Isolated focal cortical dysplasia type II. Last evaluated: 2023-06-09. Review status: criteria provided, single submitter. Criteria: ACMG Guidelines, 2015. Collection method: clinical testing. Allele origin: unknown.

Labcorp Genetics (formerly Invitae), Labcorp
Classification: Benign for Tuberous sclerosis 2. Last evaluated: 2022-12-19. Review status: criteria provided, single submitter. Criteria: Invitae Variant Classification Sherloc (09022015). Collection method: clinical testing. Allele origin: germline.